The following is an entry in ClinVar:

ClinVar aggregate classification (germline): Benign/Likely benign. Review status: criteria provided, multiple submitters, no conflicts (2 of 4 stars). 5 submissions from 5 submitters: Benign (1); Likely benign (4). Last evaluated 2026-01-19.

Conditions:
EMC1-related disorder. Also called: EMC1-related condition.
Retinal dystrophy. Also called: Inherited retinal dystrophy. Identifiers: Orphanet 71862, MedGen C0854723, MeSH D058499, MONDO:0019118, HP:0000556.

Allele frequency attached by ClinVar (database versions not stated): gnomAD 0.00014 and 0.00040; TOPMed 0.00020; ESP Exome Variant Server 0.00038; gnomAD exomes 0.00052 and 0.00104; ExAC 0.00128; 1000 Genomes Project 30x 0.00312; 1000 Genomes Project 0.00319.
gnomAD v4.1: 840 of 1,613,706 alleles (0.052%); highest among the groups gnomAD compares: South Asian, 0.71%; 16 homozygotes.

Submissions (5):

Labcorp Genetics (formerly Invitae), Labcorp
Classification: Likely benign. Last evaluated: 2026-01-19. Review status: criteria provided, single submitter. Criteria: Invitae Variant Classification Sherloc (09022015). Collection method: clinical testing. Allele origin: germline.

PreventionGenetics, part of Exact Sciences
Classification: Benign for EMC1-related condition. Last evaluated: 2025-03-25. Review status: criteria provided, single submitter. Criteria: ACMG Guidelines, 2015. Collection method: clinical testing. Allele origin: germline.
Comment: This variant is classified as benign based on ACMG/AMP sequence variant interpretation guidelines (Richards et al. 2015 PMID: 25741868, with internal and published modifications).

Blueprint Genetics
Classification: Likely benign. Last evaluated: 2024-11-23. Review status: criteria provided, single submitter. Criteria: ACMG Guidelines, 2015. Collection method: clinical testing. Allele origin: germline.

Dept Of Ophthalmology, Nagoya University
Classification: Likely benign for Retinal dystrophy. Last evaluated: 2023-10-01. Review status: criteria provided, single submitter. Criteria: Submitter's publication. Collection method: research. Allele origin: germline. Affected: yes.

Breakthrough Genomics
Classification: Likely benign. Review status: criteria provided, single submitter. Criteria: ACMG Guidelines, 2015. Collection method: not provided. Allele origin: germline. Inheritance: Autosomal recessive inheritance. Affected: yes.

NM_015047.3(EMC1):c.1202G>A (p.Arg401Gln)

Genes: EMC1 (ER membrane protein complex subunit 1; minus strand), EMC1-AS1 (EMC1 antisense RNA 1; plus strand). Cytogenetic location: 1p36.13.
Variant type: single nucleotide variant.
Coding change: c.1202G>A on transcript NM_015047.3 (MANE Select); coding-DNA position 1202, G replaced by A.
Protein change: p.Arg401Gln; replaces arginine 401 with glutamine.
Molecular consequence: missense variant.
Genome position (GRCh38, 1-based): chr1:19,238,027, C>T on the plus strand (G>A on the coding strand, the complement: EMC1 is on the minus strand). VCF-style: chr1-19238027-C-T. GRCh37 (hg19) VCF-style: chr1-19564521-C-T.
Other names: c.1199G>A, p.Arg400Gln (NM_001271427.2, NM_001375821.1); c.1202G>A, p.Arg401Gln (NM_001271428.2, NM_001375820.1); c.1136G>A, p.Arg379Gln (NM_001271429.2); short protein forms R401Q, R400Q, R379Q.
Identifiers: ClinVar variation 735067 (VCV000735067.14), dbSNP rs146431577, ClinGen allele CA652638.